The following is an entry in ClinVar:

NM_020812.4(DOCK6):c.469G>C (p.Asp157His)

Gene: DOCK6 (dedicator of cytokinesis 6; minus strand). Cytogenetic location: 19p13.2.
Variant type: single nucleotide variant.
Coding change: c.469G>C on transcript NM_020812.4 (MANE Select); coding-DNA position 469, G replaced by C.
Protein change: p.Asp157His; replaces aspartic acid 157 with histidine.
Molecular consequence: missense variant.
Genome position (GRCh38, 1-based): chr19:11,252,157, C>G on the plus strand (G>C on the coding strand, the complement: DOCK6 is on the minus strand). VCF-style: chr19-11252157-C-G. GRCh37 (hg19) VCF-style: chr19-11362833-C-G.
Other names: c.469G>C, p.Asp157His (NM_001367830.1); short protein forms D157H.
Identifiers: ClinVar variation 1895644 (VCV001895644.5), dbSNP rs1391623528, ClinGen allele CA404117764.
Genomic context (GRCh38, chr19:11,252,157, plus strand): 5'-CCCCAGCCAGGGGCTTCCTCACCGAGTCCTCAGGGCCGGACCTCTCGTCTCCAGAAGCAT[C>G]CTGCTCAAAGACCTGGCGGGGGAGGCCCTTCTGTCGCTCCCGCTGTGTGTCTGTGGTGAC-3'
Protein context (NP_065863.2, residues 147-167): KGLPRQVFEQ[Asp157His]ASGDERSGPE

ClinVar aggregate classification (germline): Uncertain significance (1 of 4 stars; one submission).

Allele frequency attached by ClinVar (database versions not stated): gnomAD exomes 0.00001.

Submission:

Labcorp Genetics (formerly Invitae), Labcorp
Classification: Uncertain significance. Last evaluated: 2024-02-24. Review status: criteria provided, single submitter. Criteria: Invitae Variant Classification Sherloc (09022015). Collection method: clinical testing. Allele origin: germline.
Comment: This sequence change replaces aspartic acid, which is acidic and polar, with histidine, which is basic and polar, at codon 157 of the DOCK6 protein (p.Asp157His). This variant is not present in population databases (gnomAD no frequency). This variant has not been reported in the literature in individuals affected with DOCK6-related conditions. ClinVar contains an entry for this variant (Variation ID: 1895644). Advanced modeling of protein sequence and biophysical properties (such as structural, functional, and spatial information, amino acid conservation, physicochemical variation, residue mobility, and thermodynamic stability) performed at Invitae indicates that this missense variant is not expected to disrupt DOCK6 protein function with a negative predictive value of 80%. In summary, the available evidence is currently insufficient to determine the role of this variant in disease. Therefore, it has been classified as a Variant of Uncertain Significance.